The following is an entry in ClinVar:

ClinVar aggregate classification (germline): Uncertain significance. Review status: criteria provided, multiple submitters, no conflicts (2 of 4 stars). 2 submissions from 2 submitters: Uncertain significance (2). Last evaluated 2024-01-11.

Conditions:
Epilepsy, idiopathic generalized, susceptibility to, 11 (EIG11). Identifiers: Orphanet 307, MedGen C2750893, MONDO:0011875, OMIM 607628.
Leukoencephalopathy with mild cerebellar ataxia and white matter edema (LKPAT). Also called: Leukoencephalopathy with ataxia; Leukoencephalopathy with white matter edema; Brain white matter edema; CLCN2-Related Leukoencephalopathy. Identifiers: Orphanet 363540, MedGen C4554120, MONDO:0014292, OMIM 615651. Disease mechanism: loss of function.
Familial hyperaldosteronism type II. Also called: FH II. Identifiers: Orphanet 404, MedGen C1854107, MONDO:0011576, OMIM 605635.

Allele frequency attached by ClinVar (database versions not stated): ExAC 0.00002; gnomAD 0.00004; TOPMed 0.00004.
gnomAD v4.1: 22 of 1,613,510 alleles (0.0014%); highest among the groups gnomAD compares: African/African-American, 0.008%; no homozygotes.

Submissions (2):

Fulgent Genetics
Classification: Uncertain significance for Familial hyperaldosteronism type II; Epilepsy, idiopathic generalized, susceptibility to, 11; Leukoencephalopathy with mild cerebellar ataxia and white matter edema. Last evaluated: 2024-01-11. Review status: criteria provided, single submitter. Criteria: ACMG Guidelines, 2015. Collection method: clinical testing. Allele origin: germline.

Labcorp Genetics (formerly Invitae), Labcorp
Classification: Uncertain significance. Last evaluated: 2024-01-08. Review status: criteria provided, single submitter. Criteria: Invitae Variant Classification Sherloc (09022015). Collection method: clinical testing. Allele origin: germline.
Comment: This sequence change replaces arginine, which is basic and polar, with glutamine, which is neutral and polar, at codon 66 of the CLCN2 protein (p.Arg66Gln). This variant is present in population databases (rs755883734, gnomAD 0.01%). This missense change has been observed in individual(s) with primary aldosteronism (PMID: 29403012). ClinVar contains an entry for this variant (Variation ID: 2156110). Advanced modeling of protein sequence and biophysical properties (such as structural, functional, and spatial information, amino acid conservation, physicochemical variation, residue mobility, and thermodynamic stability) performed at Invitae indicates that this missense variant is not expected to disrupt CLCN2 protein function with a negative predictive value of 80%. Experimental studies have shown that this missense change does not substantially affect CLCN2 function (PMID: 29403012). In summary, the available evidence is currently insufficient to determine the role of this variant in disease. Therefore, it has been classified as a Variant of Uncertain Significance.

Literature cited by the submitters: PubMed 29403012 (cited by Labcorp Genetics (formerly Invitae), Labcorp).

NM_004366.6(CLCN2):c.197G>A (p.Arg66Gln)

Gene: CLCN2 (chloride voltage-gated channel 2; minus strand). Cytogenetic location: 3q27.1.
Variant type: single nucleotide variant.
Coding change: c.197G>A on transcript NM_004366.6 (MANE Select); coding-DNA position 197, G replaced by A.
Protein change: p.Arg66Gln; replaces arginine 66 with glutamine.
Molecular consequence: missense variant.
Genome position (GRCh38, 1-based): chr3:184,358,998, C>T on the plus strand (G>A on the coding strand, the complement: CLCN2 is on the minus strand). VCF-style: chr3-184358998-C-T. GRCh37 (hg19) VCF-style: chr3-184076786-C-T.
Other names: c.197G>A, p.Arg66Gln (NM_001171087.3, NM_001171088.3, NM_001171089.3); short protein forms R66Q.
Identifiers: ClinVar variation 2156110 (VCV002156110.5), dbSNP rs755883734, ClinGen allele CA2734587.